The following is an entry in ClinVar:

ClinVar aggregate classification (germline): Pathogenic. Review status: criteria provided, multiple submitters, no conflicts (2 of 4 stars). 2 submissions from 2 submitters: Pathogenic (2). Last evaluated 2024-08-09.

Conditions:
Propionic acidemia (PROP). Also called: GLYCINEMIA, KETOTIC; HYPERGLYCINEMIA WITH KETOACIDOSIS AND LEUKOPENIA; KETOTIC HYPERGLYCINEMIA. Identifiers: Orphanet 35, MedGen C0268579, MONDO:0011628, OMIM 606054, HP:0003571.

Submissions (2):

Women's Health and Genetics/Laboratory Corporation of America, LabCorp
Classification: Pathogenic for Propionic acidemia. Last evaluated: 2024-08-09. Review status: criteria provided, single submitter. Criteria: LabCorp Variant Classification Summary - May 2015. Collection method: clinical testing. Allele origin: germline.
Comment: Variant summary: PCCB c.1223_1226delTCAT (p.Ile408ThrfsX34) results in a premature termination codon, predicted to cause a truncation of the encoded protein or absence of the protein due to nonsense mediated decay, which are commonly known mechanisms for disease. The frequency data for this variant in gnomAD is considered unreliable, as metrics indicate poor data quality at this position. To our knowledge, no occurrence of c.1223_1226delTCAT in individuals affected with Propionic Acidemia and no experimental evidence demonstrating its impact on protein function have been reported. ClinVar contains an entry for this variant (Variation ID: 1954988). Based on the evidence outlined above, the variant was classified as pathogenic.

Labcorp Genetics (formerly Invitae), Labcorp
Classification: Pathogenic for Propionic acidemia. Last evaluated: 2022-06-23. Review status: criteria provided, single submitter. Criteria: Invitae Variant Classification Sherloc (09022015). Collection method: clinical testing. Allele origin: germline.
Comment: This sequence change creates a premature translational stop signal (p.Ile408Thrfs*34) in the PCCB gene. It is expected to result in an absent or disrupted protein product. Loss-of-function variants in PCCB are known to be pathogenic (PMID: 15464417). This variant is not present in population databases (gnomAD no frequency). This variant has not been reported in the literature in individuals affected with PCCB-related conditions. For these reasons, this variant has been classified as Pathogenic.

Literature cited by the submitters: PubMed 15464417 (cited by Labcorp Genetics (formerly Invitae), Labcorp).

NM_000532.5(PCCB):c.1223_1226del (p.Ile408fs)

Gene: PCCB (propionyl-CoA carboxylase subunit beta; plus strand). Cytogenetic location: 3q22.3.
Variant type: Deletion.
Coding change: c.1223_1226del on transcript NM_000532.5 (MANE Select); coding-DNA positions 1223 to 1226, 4 bases deleted (TCAT; older notation c.1223_1226delTCAT).
Protein change: p.Ile408fs; shifts the reading frame from isoleucine 408.
Molecular consequence: frameshift variant.
Genome position (GRCh38, 1-based): chr3:136,327,179-136,327,182, TCAT deleted. VCF-style (leftmost placement, unchanged base first): chr3-136327178-ATCAT-A. GRCh37 (hg19) VCF-style: chr3-136046020-ATCAT-A.
Other names: c.1283_1286del, p.Ile428fs (NM_001178014.2); c.1223_1226delTCAT (NM_000532.5); short protein forms I408fs, I428fs.
Identifiers: ClinVar variation 1954988 (VCV001954988.3), dbSNP rs1215152261, ClinGen allele CA899360224.